The following is an entry in ClinVar:

NM_004408.4(DNM1):c.2076+5G>A

Gene: DNM1 (dynamin 1; plus strand). Cytogenetic location: 9q34.11.
Variant type: single nucleotide variant.
Coding change: c.2076+5G>A on transcript NM_004408.4 (MANE Select); 5 bases into the intron after coding-DNA position 2076, G replaced by A.
Molecular consequence: intron variant.
Genome position (GRCh38, 1-based): chr9:128,248,758, G>A. VCF-style: chr9-128248758-G-A. GRCh37 (hg19) VCF-style: chr9-131011037-G-A.
Other names: c.2076+5G>A (NM_001005336.3, NM_001374269.1, NM_001288738.2 and 2 more transcripts).
Identifiers: ClinVar variation 1683908 (VCV001683908.6), dbSNP rs1829321597, ClinGen allele CA1880211596.

ClinVar aggregate classification (germline): Uncertain significance. Review status: criteria provided, multiple submitters, no conflicts (2 of 4 stars). 2 submissions from 2 submitters: Uncertain significance (2). Last evaluated 2024-06-15.

Conditions:
Developmental and epileptic encephalopathy, 31A. Also called: Developmental and epileptic encephalopathy, 31; Epileptic encephalopathy, early infantile, 31. Identifiers: Orphanet 2382, MedGen C4225357, MONDO:0014598, OMIM 616346.

gnomAD v4.1: 3 of 1,610,826 alleles (0.00019%); highest among the groups gnomAD compares: Non-Finnish European, 0.00017%; no homozygotes.

Submissions (2):

Labcorp Genetics (formerly Invitae), Labcorp
Classification: Uncertain significance for Developmental and epileptic encephalopathy, 31A. Last evaluated: 2024-06-15. Review status: criteria provided, single submitter. Criteria: Invitae Variant Classification Sherloc (09022015). Collection method: clinical testing. Allele origin: germline.
Comment: This sequence change falls in intron 19 of the DNM1 gene. It does not directly change the encoded amino acid sequence of the DNM1 protein. It affects a nucleotide within the consensus splice site. This variant is not present in population databases (gnomAD no frequency). This variant has not been reported in the literature in individuals affected with DNM1-related conditions. ClinVar contains an entry for this variant (Variation ID: 1683908). Variants that disrupt the consensus splice site are a relatively common cause of aberrant splicing (PMID: 17576681, 9536098). Algorithms developed to predict the effect of sequence changes on RNA splicing suggest that this variant may disrupt the consensus splice site. In summary, the available evidence is currently insufficient to determine the role of this variant in disease. Therefore, it has been classified as a Variant of Uncertain Significance.

GeneDx
Classification: Uncertain significance. Last evaluated: 2023-09-08. Review status: criteria provided, single submitter. Criteria: GeneDx Variant Classification Process June 2021. Collection method: clinical testing. Allele origin: germline. Affected: yes.
Comment: Not observed at significant frequency in large population cohorts (gnomAD); Intronic +5 splice site variant in a gene for which loss of function is a known mechanism of disease, and both splice predictors and evolutionary conservation support a deleterious effect, although in the absence of functional evidence the actual effect of this sequence change is unknown.; Has not been previously published as pathogenic or benign to our knowledge

Literature cited by the submitters: PubMed 17576681 (cited by Labcorp Genetics (formerly Invitae), Labcorp); PubMed 9536098 (cited by Labcorp Genetics (formerly Invitae), Labcorp).